The following is an entry in ClinVar:

ClinVar aggregate classification (germline): Uncertain significance (1 of 4 stars; one submission).

Submission:

Labcorp Genetics (formerly Invitae), Labcorp
Classification: Uncertain significance. Last evaluated: 2026-01-03. Review status: criteria provided, single submitter. Criteria: Invitae Variant Classification Sherloc (09022015). Collection method: clinical testing. Allele origin: germline.
Comment: This sequence change replaces serine, which is neutral and polar, with proline, which is neutral and non-polar, at codon 1157 of the NEXMIF protein (p.Ser1157Pro). This variant is not present in population databases (gnomAD no frequency). This variant has not been reported in the literature in individuals affected with NEXMIF-related conditions. An algorithm developed to predict the effect of missense changes on protein structure and function (PolyPhen-2) suggests that this variant is likely to be tolerated. In summary, the available evidence is currently insufficient to determine the role of this variant in disease. Therefore, it has been classified as a Variant of Uncertain Significance.

NM_001008537.3(NEXMIF):c.3469T>C (p.Ser1157Pro)

Gene: NEXMIF (neurite extension and migration factor; minus strand). Cytogenetic location: Xq13.3.
Variant type: single nucleotide variant.
Coding change: c.3469T>C on transcript NM_001008537.3 (MANE Select); coding-DNA position 3469, T replaced by C.
Protein change: p.Ser1157Pro; replaces serine 1157 with proline.
Molecular consequence: missense variant.
Genome position (GRCh38, 1-based): chrX:74,741,088, A>G on the plus strand (T>C on the coding strand, the complement: NEXMIF is on the minus strand). VCF-style: chrX-74741088-A-G. GRCh37 (hg19) VCF-style: chrX-73960923-A-G.
Other names: short protein forms S1157P.
Identifiers: ClinVar variation 4804530 (VCV004804530.1).